The following is an entry in ClinVar:

ClinVar aggregate classification (germline): Conflicting classifications of pathogenicity. Review status: criteria provided, conflicting classifications (1 of 4 stars). 6 submissions from 6 submitters: Uncertain significance (5); Likely benign (1). Last evaluated 2026-08-07.

Conditions:
BAP1-related disorder. Also called: BAP1-related condition.
Hereditary cancer-predisposing syndrome. Also called: Neoplastic Syndromes, Hereditary; Tumor predisposition; Hereditary Cancer Syndrome; Hereditary neoplastic syndrome. Identifiers: Orphanet 140162, MedGen C0027672, MeSH D009386, MONDO:0015356.
BAP1-related tumor predisposition syndrome (TPDS1). Also called: Tumor susceptibility linked to germline BAP1 mutations; COMMON Syndrome; BAP1 tumor predisposition syndrome; TUMOR PREDISPOSITION SYNDROME 1. Identifiers: Orphanet 289539, MedGen C3280492, MONDO:0013692, OMIM 614327.

Allele frequency attached by ClinVar (database versions not stated): gnomAD 0.00001; TOPMed 0.00002; ESP Exome Variant Server 0.00008.
gnomAD v4.1: 2 of 1,613,972 alleles (0.00012%); highest among the groups gnomAD compares: Non-Finnish European, 0.00017%; no homozygotes.

Submissions (6):

PreventionGenetics, part of Exact Sciences
Classification: Uncertain significance for BAP1-related condition. Last evaluated: 2026-08-07. Review status: criteria provided, single submitter. Criteria: ACMG Guidelines, 2015. Collection method: clinical testing. Allele origin: germline.
Comment: The BAP1 c.1393A>G variant is predicted to result in the amino acid substitution p.Ile465Val. To our knowledge, this variant has not been reported in literature. This variant is not present in a large population database (gnomAD) and has been interpreted as a variant of uncertain significance and likely benign in the ClinVar database (Variation ID: 566419). At this time, the clinical significance of this variant is uncertain due to the absence of conclusive functional and genetic evidence.

Labcorp Genetics (formerly Invitae), Labcorp
Classification: Uncertain significance for BAP1-related tumor predisposition syndrome. Last evaluated: 2026-01-16. Review status: criteria provided, single submitter. Criteria: Invitae Variant Classification Sherloc (09022015). Collection method: clinical testing. Allele origin: germline.
Comment: This sequence change replaces isoleucine, which is neutral and non-polar, with valine, which is neutral and non-polar, at codon 465 of the BAP1 protein (p.Ile465Val). This variant is not present in population databases (gnomAD no frequency). This variant has not been reported in the literature in individuals affected with BAP1-related conditions. ClinVar contains an entry for this variant (Variation ID: 566419). Invitae Evidence Modeling of protein sequence and biophysical properties (such as structural, functional, and spatial information, amino acid conservation, physicochemical variation, residue mobility, and thermodynamic stability) indicates that this missense variant is not expected to disrupt BAP1 protein function with a negative predictive value of 80%. In summary, the available evidence is currently insufficient to determine the role of this variant in disease. Therefore, it has been classified as a Variant of Uncertain Significance.

GeneDx
Classification: Uncertain significance. Last evaluated: 2024-04-16. Review status: criteria provided, single submitter. Criteria: GeneDx Variant Classification Process June 2021. Collection method: clinical testing. Allele origin: germline. Affected: yes.
Comment: Not observed at significant frequency in large population cohorts (gnomAD); In silico analysis supports that this missense variant does not alter protein structure/function; Has not been previously published as pathogenic or benign to our knowledge

Color Diagnostics, LLC DBA Color Health
Classification: Uncertain significance for Hereditary cancer-predisposing syndrome. Last evaluated: 2023-12-05. Review status: criteria provided, single submitter. Criteria: ACMG Guidelines, 2015. Collection method: clinical testing. Allele origin: germline.
Comment: This missense variant replaces isoleucine with valine at codon 465 of the BAP1 protein. Computational prediction tools and conservation analyses are inconclusive regarding the impact of this variant on the protein function. Computational splicing tools suggest that this variant may not impact RNA splicing. To our knowledge, functional assays have not been performed for this variant nor has this variant been reported in individuals affected with hereditary cancer in the literature. This variant has not been identified in the general population by the Genome Aggregation Database (gnomAD). Available evidence is insufficient to determine the role of this variant in disease conclusively. Therefore, this variant is classified as a Variant of Uncertain Significance.

Baylor Genetics
Classification: Uncertain significance for BAP1-related tumor predisposition syndrome. Last evaluated: 2023-10-09. Review status: criteria provided, single submitter. Criteria: ACMG Guidelines, 2015. Collection method: clinical testing. Allele origin: unknown.

Ambry Genetics
Classification: Likely benign for Hereditary cancer-predisposing syndrome. Last evaluated: 2023-02-06. Review status: criteria provided, single submitter. Criteria: Ambry Variant Classification Scheme 2023. Collection method: clinical testing. Allele origin: germline.

NM_004656.4(BAP1):c.1393A>G (p.Ile465Val)

Gene: BAP1 (BRCA1 associated deubiquitinase 1; minus strand). Cytogenetic location: 3p21.1.
Variant type: single nucleotide variant.
Coding change: c.1393A>G on transcript NM_004656.4 (MANE Select); coding-DNA position 1393, A replaced by G.
Protein change: p.Ile465Val; replaces isoleucine 465 with valine.
Molecular consequence: missense variant.
Genome position (GRCh38, 1-based): chr3:52,403,752, T>C on the plus strand (A>G on the coding strand, the complement: BAP1 is on the minus strand). VCF-style: chr3-52403752-T-C. GRCh37 (hg19) VCF-style: chr3-52437768-T-C.
Other names: short protein forms I465V.
Identifiers: ClinVar variation 566419 (VCV000566419.25), dbSNP rs150029305, ClinGen allele CA74740841.